The following is an entry in ClinVar:

NM_174936.4(PCSK9):c.779C>T (p.Thr260Met)

Gene: PCSK9 (proprotein convertase subtilisin/kexin type 9; plus strand). Cytogenetic location: 1p32.3.
Variant type: single nucleotide variant.
Coding change: c.779C>T on transcript NM_174936.4 (MANE Select); coding-DNA position 779, C replaced by T.
Protein change: p.Thr260Met; replaces threonine 260 with methionine.
Molecular consequence: missense variant.
Genome position (GRCh38, 1-based): chr1:55,052,771, C>T. VCF-style: chr1-55052771-C-T. GRCh37 (hg19) VCF-style: chr1-55518444-C-T.
Other names: c.902C>T, p.Thr301Met (NM_001407240.1); c.779C>T, p.Thr260Met (NM_001407241.1, NM_001407244.1, NM_001407247.1); c.782C>T, p.Thr261Met (NM_001407242.1); c.722C>T, p.Thr241Met (NM_001407243.1); c.587C>T, p.Thr196Met (NM_001407245.1); c.404C>T, p.Thr135Met (NM_001407246.1); short protein forms T260M, T196M, T135M, T261M, T301M, T241M.
Identifiers: ClinVar variation 630153 (VCV000630153.10), dbSNP rs777111934, ClinGen allele CA044416.

ClinVar aggregate classification (germline): Uncertain significance. Review status: criteria provided, multiple submitters, no conflicts (2 of 4 stars). 3 submissions from 3 submitters: Uncertain significance (3). Last evaluated 2024-07-10.

Conditions:
Familial hypercholesterolemia. Also called: Familial hypercholesterolemias; Familial hypercholesterolaemia. Identifiers: MedGen C0020445, MONDO:0005439.
Cardiovascular phenotype. Identifiers: MedGen CN230736.
Hypercholesterolemia, autosomal dominant, 3 (FHCL3). Also called: Familial Hypercholesterolemia, Autosomal Dominant, 3; PCSK9-Related Familial Hypercholesterolemia, Autosomal Dominant; Familial hypercholesterolemia 3. Identifiers: MedGen C1863551, MONDO:0011369, OMIM 603776.

Allele frequency attached by ClinVar (database versions not stated): gnomAD 0.00001; TOPMed 0.00002.
gnomAD v4.1: 17 of 1,613,016 alleles (0.0011%); highest among the groups gnomAD compares: Middle Eastern, 0.082%; no homozygotes.

Submissions (3):

All of Us Research Program, National Institutes of Health
Classification: Uncertain significance for Hypercholesterolemia, autosomal dominant, 3. Last evaluated: 2024-07-10. Review status: criteria provided, single submitter. Criteria: ACMG Guidelines, 2015. Collection method: clinical testing. Allele origin: germline. Inheritance: Autosomal dominant inheritance. Observed: 6 variant alleles, 6 heterozygotes.
Comment: This missense variant replaces threonine with methionine at codon 260 of the PCSK9 protein. Computational prediction tools and conservation analyses suggest that this variant may have deleterious impact on the protein function. Computational splicing tools suggest that this variant may not impact RNA splicing. To our knowledge, functional assays have not been performed for this variant nor has this variant been reported in individuals affected with familial hypercholesterolemia in the literature. This variant has been identified in 4/248244 chromosomes in the general population by the Genome Aggregation Database (gnomAD). Available evidence is insufficient to determine the role of this variant in disease conclusively. Therefore, this variant is classified as a Variant of Uncertain Significance.

This study involves interpretation of variants in research participants for the purpose of population health screening. Participant phenotype was not available at the time of variant classification. Additional details can be found in publication PMID: 35346344, PMCID: PMC8962531

Color Diagnostics, LLC DBA Color Health
Classification: Uncertain significance for Familial hypercholesterolemia. Last evaluated: 2024-06-12. Review status: criteria provided, single submitter. Criteria: ACMG Guidelines, 2015. Collection method: clinical testing. Allele origin: germline.
Comment: This missense variant replaces threonine with methionine at codon 260 of the PCSK9 protein. Computational prediction tools indicate that this variant's impact on protein structure and function is inconclusive. To our knowledge, functional studies have not been reported for this variant. This variant has not been reported in individuals affected with PCSK9-related disorders in the literature. This variant has been identified in 4/248244 chromosomes in the general population by the Genome Aggregation Database (gnomAD). The available evidence is insufficient to determine the role of this variant in disease conclusively. Therefore, this variant is classified as a Variant of Uncertain Significance.

Ambry Genetics
Classification: Uncertain significance for Cardiovascular phenotype. Last evaluated: 2023-11-04. Review status: criteria provided, single submitter. Criteria: Ambry Variant Classification Scheme 2023. Collection method: clinical testing. Allele origin: germline.
Comment: The p.T260M variant (also known as c.779C>T), located in coding exon 5 of the PCSK9 gene, results from a C to T substitution at nucleotide position 779. The threonine at codon 260 is replaced by methionine, an amino acid with similar properties. This amino acid position is conserved. In addition, the in silico prediction for this alteration is inconclusive. Since supporting evidence is limited at this time, the clinical significance of this alteration remains unclear.